The following is an entry in ClinVar:

NM_001080467.3(MYO5B):c.166C>T (p.Arg56Cys)

Gene: MYO5B (myosin VB; minus strand). Cytogenetic location: 18q21.1.
Variant type: single nucleotide variant.
Coding change: c.166C>T on transcript NM_001080467.3 (MANE Select); coding-DNA position 166, C replaced by T.
Protein change: p.Arg56Cys; replaces arginine 56 with cysteine.
Molecular consequence: missense variant.
Genome position (GRCh38, 1-based): chr18:50,040,287, G>A on the plus strand (C>T on the coding strand, the complement: MYO5B is on the minus strand). VCF-style: chr18-50040287-G-A. GRCh37 (hg19) VCF-style: chr18-47566657-G-A.
Other names: c.166C>T (NM_001080467.2); short protein forms R56C.
Identifiers: ClinVar variation 1402304 (VCV001402304.5), dbSNP rs765665080, ClinGen allele CA8961959.

ClinVar aggregate classification (germline): Uncertain significance. Review status: criteria provided, multiple submitters, no conflicts (2 of 4 stars). 2 submissions from 2 submitters: Uncertain significance (2). Last evaluated 2025-11-18.

Conditions:
MYO5B-related disorder. Also called: MYO5B-related condition.

Allele frequency attached by ClinVar (database versions not stated): gnomAD 0.00002; gnomAD exomes 0.00002 and 0.00004; TOPMed 0.00002; ExAC 0.00003.
gnomAD v4.1: 56 of 1,614,074 alleles (0.0035%); highest among the groups gnomAD compares: Non-Finnish European, 0.0042%; no homozygotes.

Submissions (2):

PreventionGenetics, part of Exact Sciences
Classification: Uncertain significance for MYO5B-related condition. Last evaluated: 2025-11-18. Review status: criteria provided, single submitter. Criteria: ACMG Guidelines, 2015. Collection method: clinical testing. Allele origin: germline.
Comment: The MYO5B c.166C>T variant is predicted to result in the amino acid substitution p.Arg56Cys. To our knowledge, this variant has not been reported in the literature. This variant is reported in 0.0033% of alleles in individuals of South Asian descent in gnomAD. At this time, the clinical significance of this variant is uncertain due to the absence of conclusive functional and genetic evidence.

Labcorp Genetics (formerly Invitae), Labcorp
Classification: Uncertain significance. Last evaluated: 2025-07-14. Review status: criteria provided, single submitter. Criteria: Invitae Variant Classification Sherloc (09022015). Collection method: clinical testing. Allele origin: germline.
Comment: This sequence change replaces arginine, which is basic and polar, with cysteine, which is neutral and slightly polar, at codon 56 of the MYO5B protein (p.Arg56Cys). This variant is present in population databases (rs765665080, gnomAD 0.003%). This variant has not been reported in the literature in individuals affected with MYO5B-related conditions. ClinVar contains an entry for this variant (Variation ID: 1402304). Invitae Evidence Modeling of protein sequence and biophysical properties (such as structural, functional, and spatial information, amino acid conservation, physicochemical variation, residue mobility, and thermodynamic stability) indicates that this missense variant is not expected to disrupt MYO5B protein function with a negative predictive value of 80%. In summary, the available evidence is currently insufficient to determine the role of this variant in disease. Therefore, it has been classified as a Variant of Uncertain Significance.